The following is an entry in ClinVar:

NM_139319.3(SLC17A8):c.1404C>T (p.Val468=)

Gene: SLC17A8 (solute carrier family 17 member 8; plus strand). Cytogenetic location: 12q23.1.
Variant type: single nucleotide variant.
Coding change: c.1404C>T on transcript NM_139319.3 (MANE Select); coding-DNA position 1404, C replaced by T.
Protein change: p.Val468=; no amino-acid change (valine 468 retained).
Molecular consequence: synonymous variant.
Genome position (GRCh38, 1-based): chr12:100,418,135, C>T. VCF-style: chr12-100418135-C-T. GRCh37 (hg19) VCF-style: chr12-100811913-C-T.
Other names: c.1254C>T, p.Val418= (NM_001145288.2).
Identifiers: ClinVar variation 227948 (VCV000227948.14), dbSNP rs140537845, ClinGen allele CA6739022.

ClinVar aggregate classification (germline): Conflicting classifications of pathogenicity. Review status: criteria provided, conflicting classifications (1 of 4 stars). 4 submissions from 4 submitters: Uncertain significance (1); Likely benign (3). Last evaluated 2025-01-06.

Conditions:
Autosomal dominant nonsyndromic hearing loss 25. Identifiers: Orphanet 90635, MedGen C1854158, MONDO:0011568, OMIM 605583.

Allele frequency attached by ClinVar (database versions not stated): ExAC 0.00007; gnomAD 0.00007 and 0.00008; ESP Exome Variant Server 0.00008; gnomAD exomes 0.00008 and 0.00011; TOPMed 0.00009.
gnomAD v4.1: 172 of 1,613,928 alleles (0.011%); highest among the groups gnomAD compares: Non-Finnish European, 0.014%; no homozygotes.

Submissions (4):

Labcorp Genetics (formerly Invitae), Labcorp
Classification: Likely benign. Last evaluated: 2025-01-06. Review status: criteria provided, single submitter. Criteria: Invitae Variant Classification Sherloc (09022015). Collection method: clinical testing. Allele origin: germline.

Blueprint Genetics
Classification: Likely benign. Last evaluated: 2024-09-04. Review status: criteria provided, single submitter. Criteria: ACMG Guidelines, 2015. Collection method: clinical testing. Allele origin: germline.

Illumina Laboratory Services, Illumina
Classification: Uncertain significance for Autosomal dominant nonsyndromic hearing loss 25. Last evaluated: 2018-01-13. Review status: criteria provided, single submitter. Criteria: ICSL Variant Classification Criteria 13 December 2019. Collection method: clinical testing. Allele origin: germline.

Laboratory for Molecular Medicine, Mass General Brigham Personalized Medicine
Classification: Likely benign. Last evaluated: 2012-04-30. Review status: criteria provided, single submitter. Criteria: LMM Criteria. Collection method: clinical testing. Allele origin: germline. Observed: 1 variant allele.
Comment: Val468Val in Exon 11 of SLC17A8: This variant is not expected to have clinical s ignificance because it does not alter an amino acid residue, is not located with in the splice consensus sequence, and has been identified in 1/7020 European Ame rican chromosomes from a broad population by the NHLBI Exome Sequencing Project (dbSNP rs140537845).